The following is an entry in ClinVar:

NM_020208.4(SLC6A20):c.746T>C (p.Phe249Ser)

Gene: SLC6A20 (solute carrier family 6 member 20; minus strand). Cytogenetic location: 3p21.31.
Variant type: single nucleotide variant.
Coding change: c.746T>C on transcript NM_020208.4 (MANE Select); coding-DNA position 746, T replaced by C.
Protein change: p.Phe249Ser; replaces phenylalanine 249 with serine.
Molecular consequence: missense variant.
Genome position (GRCh38, 1-based): chr3:45,771,406, A>G on the plus strand (T>C on the coding strand, the complement: SLC6A20 is on the minus strand). VCF-style: chr3-45771406-A-G. GRCh37 (hg19) VCF-style: chr3-45812898-A-G.
Other names: c.635T>C, p.Phe212Ser (NM_022405.4); short protein forms F249S, F212S.
Identifiers: ClinVar variation 900864 (VCV000900864.4), dbSNP rs147760034, ClinGen allele CA2351508.

ClinVar aggregate classification (germline): Likely benign (1 of 4 stars; one submission).

Conditions:
Hyperglycinuria. Also called: GLYCINURIA WITH OR WITHOUT OXALATE NEPHROLITHIASIS; GLYCINURIA WITH OR WITHOUT OXALATE UROLITHIASIS; IMINOGLYCINURIA TYPE II. Identifiers: MedGen C0543541, MONDO:0007677, OMIM 138500, HP:0003108.

Allele frequency attached by ClinVar (database versions not stated): gnomAD 0.00029 and 0.00057; TOPMed 0.00033; ESP Exome Variant Server 0.00062; gnomAD exomes 0.00080 and 0.00132; ExAC 0.00146; 1000 Genomes Project 30x 0.00156; 1000 Genomes Project 0.00180.
gnomAD v4.1: 1,264 of 1,614,252 alleles (0.078%); highest among the groups gnomAD compares: South Asian, 0.83%; 9 homozygotes.

Submission:

Illumina Laboratory Services, Illumina
Classification: Likely benign for Hyperglycinuria. Last evaluated: 2018-01-13. Review status: criteria provided, single submitter. Criteria: ICSL Variant Classification Criteria 13 December 2019. Collection method: clinical testing. Allele origin: germline.
Comment: This variant was observed in the ICSL laboratory as part of a predisposition screen in an ostensibly healthy population. It had not been previously curated by ICSL or reported in the Human Gene Mutation Database (HGMD: prior to June 1st, 2018), and was therefore a candidate for classification through an automated scoring system. Utilizing variant allele frequency, disease prevalence and penetrance estimates, and inheritance mode, an automated score was calculated to assess if this variant is too frequent to cause the disease. Based on the score and internal cut-off values, a variant classified as likely benign is not then subjected to further curation. The score for this variant resulted in a classification of likely benign for this disease.